The following is an entry in ClinVar:

NM_001042492.3(NF1):c.8075A>T (p.Glu2692Val)

Gene: NF1 (neurofibromin 1; plus strand). Cytogenetic location: 17q11.2.
Variant type: single nucleotide variant.
Coding change: c.8075A>T on transcript NM_001042492.3 (MANE Select); coding-DNA position 8075, A replaced by T.
Protein change: p.Glu2692Val; replaces glutamic acid 2692 with valine.
Molecular consequence: missense variant.
Genome position (GRCh38, 1-based): chr17:31,358,584, A>T. VCF-style: chr17-31358584-A-T. GRCh37 (hg19) VCF-style: chr17-29685602-A-T.
Other names: c.8012A>T, p.Glu2671Val (NM_000267.4); short protein forms E2692V, E2671V.
Identifiers: ClinVar variation 1761659 (VCV001761659.2), dbSNP rs2151585083, ClinGen allele CA399203886.

ClinVar aggregate classification (germline): Uncertain significance (1 of 4 stars; one submission).

Conditions:
Hereditary cancer-predisposing syndrome. Also called: Neoplastic Syndromes, Hereditary; Tumor predisposition; Hereditary Cancer Syndrome; Hereditary neoplastic syndrome. Identifiers: Orphanet 140162, MedGen C0027672, MeSH D009386, MONDO:0015356.
Cardiovascular phenotype. Identifiers: MedGen CN230736.

Submission:

Ambry Genetics
Classification: Uncertain significance for Cardiovascular phenotype; Hereditary cancer-predisposing syndrome. Last evaluated: 2022-04-11. Review status: criteria provided, single submitter. Criteria: Ambry Variant Classification Scheme 2023. Collection method: clinical testing. Allele origin: germline.
Comment: The p.E2671V variant (also known as c.8012A>T), located in coding exon 54 of the NF1 gene, results from an A to T substitution at nucleotide position 8012. The glutamic acid at codon 2671 is replaced by valine, an amino acid with dissimilar properties. This amino acid position is conserved. In addition, the in silico prediction for this alteration is inconclusive. Since supporting evidence is limited at this time, the clinical significance of this alteration remains unclear.